The following is an entry in ClinVar:

ClinVar aggregate classification (germline): Uncertain significance (1 of 4 stars; one submission).

Conditions:
Glycogen storage disease, type II (IOPD). Also called: Pompe Disease; CARDIOMEGALIA GLYCOGENICA DIFFUSA; GLYCOGENOSIS, GENERALIZED, CARDIAC FORM; GSD II; POMPE DISEASE, INFANTILE-ONSET; GLYCOGEN STORAGE DISEASE II, INFANTILE-ONSET. Identifiers: Orphanet 365, MedGen C0017921, MONDO:0009290, OMIM 232300.

Submission:

Genomenon, Inc
Classification: Uncertain significance for Glycogen storage disease, type II. Last evaluated: 2026-07-01. Review status: criteria provided, single submitter. Criteria: Genomenon Sequence Variant Interpretation Standards - Updated. Collection method: curation. Allele origin: germline. Affected: yes.
Comment: GAA p.Gly920_Asn925dup (c.2758_2775dup) is an in-frame duplication variant that results in the duplication of multiple amino acids, from Glycine at codon 920 to Asparagine at codon 925. This variant has been observed in at least one proband with a GAA-related disorder in the compound heterozygous and/or homozygous state (PMID:10206684). It is absent or not present at a significant frequency in gnomAD. In conclusion, we classify GAA p.Gly920_Asn925dup (c.2758_2775dup) as a variant of uncertain significance.

Literature cited by the submitters: PubMed 10206684.

NM_000152.5(GAA):c.2758_2775dup (p.Asn925_Phe926insGlyValProValSerAsn)

Gene: GAA (alpha glucosidase; plus strand). Cytogenetic location: 17q25.3.
Variant type: Duplication.
Coding change: c.2758_2775dup on transcript NM_000152.5 (MANE Select); coding-DNA positions 2758 to 2775, 18 bases duplicated (GGTGTCCCTGTCTCCAAC).
Protein change: p.Asn925_Phe926insGlyValProValSerAsn.
Molecular consequence: inframe insertion.
Genome position (GRCh38, 1-based): chr17:80,118,764-80,118,781, GGTGTCCCTGTCTCCAAC duplicated; duplicating any 18 consecutive bases within chr17:80,118,756-80,118,781 gives the same sequence; the c. name uses the placement nearest the transcript's 3' end. VCF-style (leftmost placement, unchanged base first): chr17-80118755-C-CTCTCCAACGGTGTCCCTG. GRCh37 (hg19) VCF-style: chr17-78092554-C-CTCTCCAACGGTGTCCCTG.
Other names: c.2758_2775dup, p.Asn925_Phe926insGlyValProValSerAsn (NM_001079803.3, NM_001079804.3, NM_001406741.1 and 1 more transcripts).
Identifiers: ClinVar variation 4876539 (VCV004876539.1).